The following is an entry in ClinVar:

NM_004714.3(DYRK1B):c.1059T>G (p.Gly353=)

Gene: DYRK1B (dual specificity tyrosine phosphorylation regulated kinase 1B; minus strand). Cytogenetic location: 19q13.2.
Variant type: single nucleotide variant.
Coding change: c.1059T>G on transcript NM_004714.3 (MANE Select); coding-DNA position 1059, T replaced by G.
Protein change: p.Gly353=; no amino-acid change (glycine 353 retained).
Molecular consequence: synonymous variant.
Genome position (GRCh38, 1-based): chr19:39,827,321, A>C on the plus strand (T>G on the coding strand, the complement: DYRK1B is on the minus strand). VCF-style: chr19-39827321-A-C. GRCh37 (hg19) VCF-style: chr19-40317961-A-C.
Other names: c.1059T>G, p.Gly353= (NM_006483.3, NM_006484.3).
Identifiers: ClinVar variation 4995520 (VCV004995520.1).

ClinVar aggregate classification (germline): Uncertain significance (1 of 4 stars; one submission).

Conditions:
DYRK1B-related disorder. Also called: DYRK1B-related condition.

Submission:

PreventionGenetics, part of Exact Sciences
Classification: Uncertain significance for DYRK1B-related condition. Last evaluated: 2026-07-24. Review status: criteria provided, single submitter. Criteria: ACMG Guidelines, 2015. Collection method: clinical testing. Allele origin: germline.
Comment: The DYRK1B c.1059T>G variant is not predicted to result in an amino acid change (p.=). To our knowledge, this variant has not been reported in the literature or in a large population database (gnomAD), indicating this variant is rare. At this time, the clinical significance of this variant is uncertain due to the absence of conclusive functional and genetic evidence.